The following is an entry in ClinVar:

NM_002485.5(NBN):c.611C>T (p.Ser204Phe)

Gene: NBN (nibrin; minus strand). Cytogenetic location: 8q21.3.
Variant type: single nucleotide variant.
Coding change: c.611C>T on transcript NM_002485.5 (MANE Select); coding-DNA position 611, C replaced by T.
Protein change: p.Ser204Phe; replaces serine 204 with phenylalanine.
Molecular consequence: missense variant.
Genome position (GRCh38, 1-based): chr8:89,971,264, G>A on the plus strand (C>T on the coding strand, the complement: NBN is on the minus strand). VCF-style: chr8-89971264-G-A. GRCh37 (hg19) VCF-style: chr8-90983492-G-A.
Other names: c.365C>T, p.Ser122Phe (NM_001024688.3); short protein forms S122F, S204F.
Identifiers: ClinVar variation 1352271 (VCV001352271.8), dbSNP rs876659478, ClinGen allele CA371659287.

ClinVar aggregate classification (germline): Uncertain significance (1 of 4 stars; one submission).

Conditions:
Microcephaly, normal intelligence and immunodeficiency (NBS). Also called: Immunodeficiency, microcephaly with normal intelligence; Microcephaly with normal intelligence immunodeficiency and lymphoreticular malignancies; Nonsyndromal microcephaly autosomal recessive with normal intelligence; Seemanova syndrome 2; Ataxia telangiectasia variant V1; SEEMANOVA SYNDROME II. Identifiers: Orphanet 647, MedGen C0398791, MONDO:0009623, OMIM 251260.

Allele frequency attached by ClinVar (database versions not stated): gnomAD exomes below 0.00001.
gnomAD v4.1: 2 of 1,612,830 alleles (0.00012%); highest among the groups gnomAD compares: Non-Finnish European, 0.00017%; no homozygotes.

Submission:

Labcorp Genetics (formerly Invitae), Labcorp
Classification: Uncertain significance for Microcephaly, normal intelligence and immunodeficiency. Last evaluated: 2022-06-12. Review status: criteria provided, single submitter. Criteria: Invitae Variant Classification Sherloc (09022015). Collection method: clinical testing. Allele origin: germline.
Comment: In summary, the available evidence is currently insufficient to determine the role of this variant in disease. Therefore, it has been classified as a Variant of Uncertain Significance. Algorithms developed to predict the effect of missense changes on protein structure and function are either unavailable or do not agree on the potential impact of this missense change (SIFT: "Deleterious"; PolyPhen-2: "Benign"; Align-GVGD: "Class C0"). This variant has not been reported in the literature in individuals affected with NBN-related conditions. This variant is not present in population databases (gnomAD no frequency). This sequence change replaces serine, which is neutral and polar, with phenylalanine, which is neutral and non-polar, at codon 204 of the NBN protein (p.Ser204Phe).